The following is an entry in ClinVar:

NM_022552.5(DNMT3A):c.1363A>T (p.Lys455Ter)

Gene: DNMT3A (DNA methyltransferase 3 alpha; minus strand). Cytogenetic location: 2p23.3.
Variant type: single nucleotide variant.
Coding change: c.1363A>T on transcript NM_022552.5 (MANE Select); coding-DNA position 1363, A replaced by T.
Protein change: p.Lys455Ter; replaces lysine 455 with a stop codon.
Molecular consequence: nonsense. On other transcripts: non-coding transcript variant (1).
Genome position (GRCh38, 1-based): chr2:25,246,226, T>A on the plus strand (A>T on the coding strand, the complement: DNMT3A is on the minus strand). VCF-style: chr2-25246226-T-A. GRCh37 (hg19) VCF-style: chr2-25469095-T-A.
Other names: c.907A>T, p.Lys303Ter (NM_001320893.1); c.694A>T, p.Lys232Ter (NM_001375819.1); c.796A>T, p.Lys266Ter (NM_153759.3); c.1363A>T, p.Lys455Ter (NM_175629.2); short protein forms K266*, K303*, K455*, K232*.
Identifiers: ClinVar variation 970008 (VCV000970008.1), dbSNP rs1674744924, ClinGen allele CA346072765.

ClinVar aggregate classification (germline): Pathogenic (1 of 4 stars; one submission).

Conditions:
Tatton-Brown-Rahman overgrowth syndrome. Also called: Tall stature-intellectual disability-facial dysmorphism syndrome; Tatton-Brown-Rahman syndrome. Identifiers: Orphanet 404443, MedGen C4014545, MONDO:0014382, OMIM 615879.

Submission:

Labcorp Genetics (formerly Invitae), Labcorp
Classification: Pathogenic for Tatton-Brown-rahman syndrome. Last evaluated: 2019-11-14. Review status: criteria provided, single submitter. Criteria: Invitae Variant Classification Sherloc (09022015). Collection method: clinical testing. Allele origin: germline.
Comment: This sequence change creates a premature translational stop signal (p.Lys455*) in the DNMT3A gene. It is expected to result in an absent or disrupted protein product. This variant is not present in population databases (ExAC no frequency). This variant has not been reported in the literature in individuals with DNMT3A-related conditions. Loss-of-function variants in DNMT3A are known to be pathogenic (PMID: 24614070). For these reasons, this variant has been classified as Pathogenic.